The following is an entry in ClinVar:

ClinVar aggregate classification (germline): Likely pathogenic (1 of 4 stars; one submission).

Conditions:
PKD1-related disorder. Also called: PKD1-related condition.

Submission:

PreventionGenetics, part of Exact Sciences
Classification: Likely pathogenic for PKD1-related condition. Last evaluated: 2025-11-26. Review status: criteria provided, single submitter. Criteria: ACMG Guidelines, 2015. Collection method: clinical testing. Allele origin: germline.
Comment: The PKD1 c.11897dupT variant is predicted to result in a frameshift and premature protein termination (p.Val3967Argfs*10). To our knowledge, this variant has not been reported in the literature or in a large population database (gnomAD), indicating this variant is rare. Frameshift variants in PKD1 are expected to be pathogenic. This variant is interpreted as likely pathogenic.

NM_001009944.3(PKD1):c.11897dup (p.Val3967fs)

Gene: PKD1 (polycystin 1, transient receptor potential channel interacting; minus strand). Cytogenetic location: 16p13.3.
Variant type: Duplication.
Coding change: c.11897dup on transcript NM_001009944.3 (MANE Select); coding-DNA position 11897, one base duplicated (T; older notation c.11897dupT).
Protein change: p.Val3967fs; shifts the reading frame from valine 3967.
Molecular consequence: frameshift variant.
Genome position (GRCh38, 1-based): chr16:2,090,990, A duplicated on the plus strand (T on the coding strand, the reverse complement: PKD1 is on the minus strand); the first of 3 consecutive A bases (chr16:2,090,990-2,090,992); duplicating any one gives the same sequence. VCF-style (leftmost placement, unchanged base first): chr16-2090989-G-GA. GRCh37 (hg19) VCF-style: chr16-2140990-G-GA.
Other names: c.11897dupT (NM_001009944.2); c.11894dup, p.Val3966fs (NM_000296.4); short protein forms V3966fs, V3967fs.
Identifiers: ClinVar variation 4994540 (VCV004994540.1).
Genomic context (GRCh38, chr16:2,090,989, plus strand): 5'-TGCGGAGCTCAGCTGCGCCACCTGGTCGAAGCTAGTGAAGCGGCGCGGGCGGCCGCGCAC[G>GA]AAACGGGTCCACTGGCGGTCAGCGGCACCCAGCTGGGCGAGGCGTACCAGTGCCGTGGCC-3'